The following is an entry in ClinVar:

NM_001010892.3(RSPH4A):c.*8A>G

Gene: RSPH4A (radial spoke head component 4A; plus strand). Cytogenetic location: 6q22.1.
Variant type: single nucleotide variant.
Coding change: c.*8A>G on transcript NM_001010892.3 (MANE Select); 8 bases downstream of the stop codon, A replaced by G.
Molecular consequence: 3 prime UTR variant.
Genome position (GRCh38, 1-based): chr6:116,632,449, A>G. VCF-style: chr6-116632449-A-G. GRCh37 (hg19) VCF-style: chr6-116953612-A-G.
Other names: c.*220A>G (NM_001161664.2).
Identifiers: ClinVar variation 227053 (VCV000227053.10), dbSNP rs575857124, ClinGen allele CA3971125.
Genomic context (GRCh38, chr6:116,632,449, plus strand): 5'-CTGAGAATGAAGAATCTGAGGAAGATGAAGATGAGGAAGATGATTATGACTAATAAACAT[A>G]AAATTAGCCTGGTTTTATGTGACACTGATACACACACACCCCTTATATGGGACTAATTTT-3'

ClinVar aggregate classification (germline): Benign/Likely benign. Review status: criteria provided, multiple submitters, no conflicts (2 of 4 stars). 3 submissions from 3 submitters: Benign (1); Likely benign (2). Last evaluated 2018-01-13.

Conditions:
Primary ciliary dyskinesia 11. Also called: CILIARY DYSKINESIA, PRIMARY, 11, WITHOUT SITUS INVERSUS. Identifiers: Orphanet 244, MedGen C2675229, MONDO:0012978, OMIM 612649.

Allele frequency attached by ClinVar (database versions not stated): gnomAD 0.00001 and 0.00085; TOPMed 0.00011; gnomAD exomes 0.00171 and 0.00351; 1000 Genomes Project 30x 0.00515; ExAC 0.00530; 1000 Genomes Project 0.00539.
gnomAD v4.1: 2,602 of 1,606,566 alleles (0.16%); highest among the groups gnomAD compares: South Asian, 2.8%; 81 homozygotes.

Submissions (3):

Illumina Laboratory Services, Illumina
Classification: Likely benign for Primary ciliary dyskinesia 11. Last evaluated: 2018-01-13. Review status: criteria provided, single submitter. Criteria: ICSL Variant Classification Criteria 13 December 2019. Collection method: clinical testing. Allele origin: germline.
Comment: This variant was observed in the ICSL laboratory as part of a predisposition screen in an ostensibly healthy population. It had not been previously curated by ICSL or reported in the Human Gene Mutation Database (HGMD: prior to June 1st, 2018), and was therefore a candidate for classification through an automated scoring system. Utilizing variant allele frequency, disease prevalence and penetrance estimates, and inheritance mode, an automated score was calculated to assess if this variant is too frequent to cause the disease. Based on the score and internal cut-off values, a variant classified as likely benign is not then subjected to further curation. The score for this variant resulted in a classification of likely benign for this disease.

Laboratory for Molecular Medicine, Mass General Brigham Personalized Medicine
Classification: Benign. Last evaluated: 2015-12-10. Review status: criteria provided, single submitter. Criteria: LMM Criteria. Collection method: clinical testing. Allele origin: germline. Observed: 2 variant alleles.
Comment: c.*8A>G in RSPH4A: This variant is not expected to have clinical significance be cause it has been identified in 3% (404/12030) of South Asian chromosomes, inclu ding 7 homozygotes by the Exome Aggregation Consortium (ExAC; dbSNP rs575857124).

PreventionGenetics, part of Exact Sciences
Classification: Likely benign. Review status: criteria provided, single submitter. Criteria: ACMG Guidelines, 2015. Collection method: clinical testing. Allele origin: germline.